The following is an entry in ClinVar:

NM_000256.3(MYBPC3):c.491G>T (p.Gly164Val)

Gene: MYBPC3 (myosin binding protein C3; minus strand). Cytogenetic location: 11p11.2.
Variant type: single nucleotide variant.
Coding change: c.491G>T on transcript NM_000256.3 (MANE Select); coding-DNA position 491, G replaced by T.
Protein change: p.Gly164Val; replaces glycine 164 with valine.
Molecular consequence: missense variant.
Genome position (GRCh38, 1-based): chr11:47,350,028, C>A on the plus strand (G>T on the coding strand, the complement: MYBPC3 is on the minus strand). VCF-style: chr11-47350028-C-A. GRCh37 (hg19) VCF-style: chr11-47371579-C-A.
Other names: short protein forms G164V.
Identifiers: ClinVar variation 4539847 (VCV004539847.1).

ClinVar aggregate classification (germline): Uncertain significance (1 of 4 stars; one submission).

Submission:

GeneDx
Classification: Uncertain significance. Last evaluated: 2025-06-25. Review status: criteria provided, single submitter. Criteria: GeneDx Variant Classification Process June 2021. Collection method: clinical testing. Allele origin: germline. Affected: yes.
Comment: Not observed at significant frequency in large population cohorts (gnomAD); In silico analysis supports that this missense variant has a deleterious effect on protein structure/function; Has not been previously published as pathogenic or benign to our knowledge